The following is an entry in ClinVar:

NM_001257180.2(SLC20A2):c.699C>T (p.Phe233=)

Gene: SLC20A2 (solute carrier family 20 member 2; minus strand). Cytogenetic location: 8p11.21.
Variant type: single nucleotide variant.
Coding change: c.699C>T on transcript NM_001257180.2 (MANE Select); coding-DNA position 699, C replaced by T.
Protein change: p.Phe233=; no amino-acid change (phenylalanine 233 retained).
Molecular consequence: synonymous variant.
Genome position (GRCh38, 1-based): chr8:42,444,677, G>A on the plus strand (C>T on the coding strand, the complement: SLC20A2 is on the minus strand). VCF-style: chr8-42444677-G-A. GRCh37 (hg19) VCF-style: chr8-42302195-G-A.
Other names: c.699C>T, p.Phe233= (NM_001257181.2, NM_006749.5).
Identifiers: ClinVar variation 4986873 (VCV004986873.1).

ClinVar aggregate classification (germline): Likely benign (1 of 4 stars; one submission).

Conditions:
SLC20A2-related disorder. Also called: SLC20A2-related condition.

gnomAD v4.1: 13 of 1,613,658 alleles (0.00081%); highest among the groups gnomAD compares: South Asian, 0.0033%; no homozygotes.

Submission:

PreventionGenetics, part of Exact Sciences
Classification: Likely benign for SLC20A2-related condition. Last evaluated: 2024-11-23. Review status: criteria provided, single submitter. Criteria: ACMG Guidelines, 2015. Collection method: clinical testing. Allele origin: germline.
Comment: This variant is classified as likely benign based on ACMG/AMP sequence variant interpretation guidelines (Richards et al. 2015 PMID: 25741868, with internal and published modifications).